The following is an entry in ClinVar:

NM_032638.5(GATA2):c.1066ACC[2] (p.Thr358del)

Gene: GATA2 (GATA binding protein 2; minus strand). Cytogenetic location: 3q21.3.
Variant type: Microsatellite.
Coding change: c.1066ACC[2] on transcript NM_032638.5 (MANE Select); two copies in a row of the 3-base unit ACC starting at c.1066; the reference has three copies in a row; one copy, 3 bases deleted; also written c.1072_1074del.
Protein change: p.Thr358del; deletes threonine 358.
Molecular consequence: inframe deletion.
Genome position (GRCh38, 1-based): chr3:128,481,888-128,481,890, GGT deleted on the plus strand (ACC on the coding strand, the reverse complement: GATA2 is on the minus strand); deleting any 3 consecutive bases within chr3:128,481,888-128,481,896 gives the same sequence; the position shown is the placement nearest the transcript's 3' end. VCF-style (leftmost placement, unchanged base first): chr3-128481887-AGGT-A. GRCh37 (hg19) VCF-style: chr3-128200730-AGGT-A.
Other names: c.1072_1074del (NM_032638.5, NM_032638.4); c.1066ACC[2], p.Thr358del (NM_001145661.2); c.1024ACC[2], p.Thr344del (NM_001145662.1); short protein forms T344del, T358del.
Identifiers: ClinVar variation 1184243 (VCV001184243.2), dbSNP rs2107668693, ClinGen allele CA2580616528.

ClinVar aggregate classification (germline): Pathogenic/Likely pathogenic. Review status: criteria provided, multiple submitters, no conflicts (2 of 4 stars). 2 submissions from 2 submitters: Pathogenic (1); Likely pathogenic (1). Last evaluated 2024-04-15.

Conditions:
Deafness-lymphedema-leukemia syndrome. Also called: Emberger syndrome; Lymphedema, primary, with myelodysplasia. Identifiers: Orphanet 3226, MedGen C3279664, MONDO:0013540, OMIM 614038.
GATA2 deficiency with susceptibility to MDS/AML. Identifiers: MedGen CN300066, MONDO:0042982.

Submissions (2):

GeneDx
Classification: Likely pathogenic. Last evaluated: 2024-04-15. Review status: criteria provided, single submitter. Criteria: GeneDx Variant Classification Process June 2021. Collection method: clinical testing. Allele origin: germline. Affected: yes.
Comment: In-frame deletion of 1 amino acid in a non-repeat region; Not observed at significant frequency in large population cohorts (gnomAD); In silico analysis supports a deleterious effect on protein structure/function; This variant is associated with the following publications: (PMID: 34387894, 28602958, 1714909, 28179282)

Molecular Pathology Research Laboratory, SA Pathology
Classification: Pathogenic for GATA2 deficiency with susceptibility to MDS/AML; Deafness-lymphedema-leukemia syndrome. Last evaluated: 2021-07-06. Review status: criteria provided, single submitter. Criteria: ACMG Guidelines, 2015. Collection method: curation. Allele origin: unknown. Inheritance: Autosomal dominant inheritance. Affected: yes. Observed: 1 variant allele.
Comment: PS3, PS4_Moderate, PM2, PM4

Literature cited by the submitters: PubMed 28602958 (cited by Molecular Pathology Research Laboratory, SA Pathology).